The following is an entry in ClinVar:

NM_020207.7(ERCC6L2):c.1663G>T (p.Asp555Tyr)

Gene: ERCC6L2 (ERCC excision repair 6 like 2; plus strand). Cytogenetic location: 9q22.32.
Variant type: single nucleotide variant.
Coding change: c.1663G>T on transcript NM_020207.7 (MANE Select); coding-DNA position 1663, G replaced by T.
Protein change: p.Asp555Tyr; replaces aspartic acid 555 with tyrosine.
Molecular consequence: missense variant. On other transcripts: non-coding transcript variant (1).
Genome position (GRCh38, 1-based): chr9:95,928,776, G>T. VCF-style: chr9-95928776-G-T. GRCh37 (hg19) VCF-style: chr9-98691058-G-T.
Other names: c.1663G>T, p.Asp555Tyr (NM_001010895.4, NM_001375291.1, NM_001375292.1 and 2 more transcripts); short protein forms D555Y.
Identifiers: ClinVar variation 2118234 (VCV002118234.5), dbSNP rs1830211840, ClinGen allele CA374125952.

ClinVar aggregate classification (germline): Uncertain significance. Review status: criteria provided, multiple submitters, no conflicts (2 of 4 stars). 2 submissions from 2 submitters: Uncertain significance (2). Last evaluated 2025-05-09.

Conditions:
Inborn genetic diseases. Identifiers: MedGen C0950123, MeSH D030342.

Allele frequency attached by ClinVar (database versions not stated): gnomAD 0.00001.
gnomAD v4.1: 1 of 1,613,218 alleles (0.000062%); highest among the groups gnomAD compares: Admixed American, 0.0017%; no homozygotes.

Submissions (2):

Ambry Genetics
Classification: Uncertain significance for Inborn genetic diseases. Last evaluated: 2025-05-09. Review status: criteria provided, single submitter. Criteria: Ambry Variant Classification Scheme 2023. Collection method: clinical testing. Allele origin: germline.
Comment: The p.D555Y variant (also known as c.1663G>T), located in coding exon 11 of the ERCC6L2 gene, results from a G to T substitution at nucleotide position 1663. The aspartic acid at codon 555 is replaced by tyrosine, an amino acid with highly dissimilar properties. This amino acid position is conserved. In addition, this alteration is predicted to be deleterious by in silico analysis. Based on the available evidence, the clinical significance of this variant remains unclear.

Labcorp Genetics (formerly Invitae), Labcorp
Classification: Uncertain significance. Last evaluated: 2022-03-27. Review status: criteria provided, single submitter. Criteria: Invitae Variant Classification Sherloc (09022015). Collection method: clinical testing. Allele origin: germline.
Comment: This sequence change replaces aspartic acid, which is acidic and polar, with tyrosine, which is neutral and polar, at codon 566 of the ERCC6L2 protein (p.Asp566Tyr). This variant is not present in population databases (gnomAD no frequency). This variant has not been reported in the literature in individuals affected with ERCC6L2-related conditions. Algorithms developed to predict the effect of missense changes on protein structure and function are either unavailable or do not agree on the potential impact of this missense change (SIFT: "Deleterious"; PolyPhen-2: "Not Available"; Align-GVGD: "Class C0"). In summary, the available evidence is currently insufficient to determine the role of this variant in disease. Therefore, it has been classified as a Variant of Uncertain Significance.